The following is an entry in ClinVar:

NM_001130144.3(LTBP3):c.3499G>A (p.Gly1167Ser)

Gene: LTBP3 (latent transforming growth factor beta binding protein 3; minus strand). Cytogenetic location: 11q13.1.
Variant type: single nucleotide variant.
Coding change: c.3499G>A on transcript NM_001130144.3 (MANE Select); coding-DNA position 3499, G replaced by A.
Protein change: p.Gly1167Ser; replaces glycine 1167 with serine.
Molecular consequence: missense variant.
Genome position (GRCh38, 1-based): chr11:65,539,768, C>T on the plus strand (G>A on the coding strand, the complement: LTBP3 is on the minus strand). VCF-style: chr11-65539768-C-T. GRCh37 (hg19) VCF-style: chr11-65307239-C-T.
Other names: c.3499G>A (NM_001130144.2); c.3007G>A, p.Gly1003Ser (NM_001164266.1); c.3358G>A, p.Gly1120Ser (NM_021070.4); short protein forms G1003S, G1120S, G1167S.
Identifiers: ClinVar variation 2885405 (VCV002885405.4), dbSNP rs773233610, ClinGen allele CA6100274.
Genomic context (GRCh38, chr11:65,539,768, plus strand): 5'-CGACTGCCTTACCCGCGCCGCGCGGCGGGCACGGTCGGCATTGGGCGCCCCAGCCGCGGC[C>T]CTGGCGGCAGCAGCAGTCGTCGAAGGTGAGGGCAGGCCCGGCCAGGGGGCCAGCGCACAT-3'
Protein context (NP_001123616.1, residues 1157-1177): LTFDDCCCRQ[Gly1167Ser]RGWGAQCRPC

ClinVar aggregate classification (germline): Uncertain significance. Review status: criteria provided, multiple submitters, no conflicts (2 of 4 stars). 2 submissions from 2 submitters: Uncertain significance (2). Last evaluated 2025-11-15.

Conditions:
Brachyolmia-amelogenesis imperfecta syndrome. Also called: PLATYSPONDYLY WITH AMELOGENESIS IMPERFECTA; Tooth agenesis, selective, 6; Dental anomalies and short stature. Identifiers: Orphanet 2899, MedGen C1832594, MONDO:0011018, OMIM 601216. Disease mechanism: loss of function.
Inborn genetic diseases. Identifiers: MedGen C0950123, MeSH D030342.

Allele frequency attached by ClinVar (database versions not stated): gnomAD exomes 0.00001; TOPMed 0.00001; gnomAD 0.00005; ExAC 0.00011.

Submissions (2):

Ambry Genetics
Classification: Uncertain significance for Inborn genetic diseases. Last evaluated: 2025-11-15. Review status: criteria provided, single submitter. Criteria: Ambry Variant Classification Scheme 2023. Collection method: clinical testing. Allele origin: germline.
Comment: The p.G1167S variant (also known as c.3499G>A), located in coding exon 25 of the LTBP3 gene, results from a G to A substitution at nucleotide position 3499. The glycine at codon 1167 is replaced by serine, an amino acid with similar properties. This amino acid position is conserved. In addition, this alteration is predicted to be deleterious by in silico analysis. Based on the available evidence, the clinical significance of this variant remains unclear.

Labcorp Genetics (formerly Invitae), Labcorp
Classification: Uncertain significance for Brachyolmia-amelogenesis imperfecta syndrome. Last evaluated: 2022-12-08. Review status: criteria provided, single submitter. Criteria: Invitae Variant Classification Sherloc (09022015). Collection method: clinical testing. Allele origin: germline.
Comment: In summary, the available evidence is currently insufficient to determine the role of this variant in disease. Therefore, it has been classified as a Variant of Uncertain Significance. Algorithms developed to predict the effect of missense changes on protein structure and function (SIFT, PolyPhen-2, Align-GVGD) all suggest that this variant is likely to be disruptive. This variant has not been reported in the literature in individuals affected with LTBP3-related conditions. The frequency data for this variant in the population databases is considered unreliable, as metrics indicate poor data quality at this position in the gnomAD database. This sequence change replaces glycine, which is neutral and non-polar, with serine, which is neutral and polar, at codon 1167 of the LTBP3 protein (p.Gly1167Ser).